The following is an entry in ClinVar:

NM_199420.4(POLQ):c.3611C>T (p.Thr1204Ile)

Gene: POLQ (DNA polymerase theta; minus strand). Cytogenetic location: 3q13.33.
Variant type: single nucleotide variant.
Coding change: c.3611C>T on transcript NM_199420.4 (MANE Select); coding-DNA position 3611, C replaced by T.
Protein change: p.Thr1204Ile; replaces threonine 1204 with isoleucine.
Molecular consequence: missense variant.
Genome position (GRCh38, 1-based): chr3:121,489,320, G>A on the plus strand (C>T on the coding strand, the complement: POLQ is on the minus strand). VCF-style: chr3-121489320-G-A. GRCh37 (hg19) VCF-style: chr3-121208167-G-A.
Other names: short protein forms T1204I.
Identifiers: ClinVar variation 2449583 (VCV002449583.2), dbSNP rs2048043199, ClinGen allele CA354098724.

ClinVar aggregate classification (germline): Uncertain significance (1 of 4 stars; one submission).

Allele frequency attached by ClinVar (database versions not stated): gnomAD exomes below 0.00001; gnomAD 0.00001.
gnomAD v4.1: 5 of 1,613,406 alleles (0.00031%); highest among the groups gnomAD compares: African/African-American, 0.0013%; no homozygotes.

Submission:

Ambry Genetics
Classification: Uncertain significance. Last evaluated: 2023-01-31. Review status: criteria provided, single submitter. Criteria: Ambry Variant Classification Scheme 2023. Collection method: clinical testing. Allele origin: germline.
Comment: The p.T1204I variant (also known as c.3611C>T), located in coding exon 16 of the POLQ gene, results from a C to T substitution at nucleotide position 3611. The threonine at codon 1204 is replaced by isoleucine, an amino acid with similar properties. This amino acid position is conserved. In addition, this alteration is predicted to be tolerated by in silico analysis. Since supporting evidence is limited at this time, the clinical significance of this alteration remains unclear.